The following is an entry in ClinVar:

ClinVar aggregate classification (germline): Uncertain significance. Review status: criteria provided, multiple submitters, no conflicts (2 of 4 stars). 2 submissions from 2 submitters: Uncertain significance (2). Last evaluated 2026-03-20.

Conditions:
Hereditary cancer-predisposing syndrome. Also called: Hereditary neoplastic syndrome; Neoplastic Syndromes, Hereditary; Tumor predisposition; Hereditary Cancer Syndrome. Identifiers: Orphanet 140162, MedGen C0027672, MeSH D009386, MONDO:0015356.
Oligodontia-cancer predisposition syndrome. Also called: TOOTH AGENESIS-COLORECTAL CANCER SYNDROME. Identifiers: Orphanet 300576, MedGen C1837750, MONDO:0012075, OMIM 608615. Disease mechanism: loss of function.

Allele frequency attached by ClinVar (database versions not stated): gnomAD exomes below 0.00001.
gnomAD v4.1: 1 of 1,609,112 alleles (0.000062%); highest among the groups gnomAD compares: Non-Finnish European, 0.000085%; no homozygotes.

Submissions (2):

Ambry Genetics
Classification: Uncertain significance for Hereditary cancer-predisposing syndrome. Last evaluated: 2026-03-20. Review status: criteria provided, single submitter. Criteria: Ambry Variant Classification Scheme 2023. Collection method: clinical testing. Allele origin: germline.
Comment: The p.K47I variant (also known as c.140A>T), located in coding exon 1 of the AXIN2 gene, results from an A to T substitution at nucleotide position 140. The lysine at codon 47 is replaced by isoleucine, an amino acid with dissimilar properties. This amino acid position is not well conserved in available vertebrate species. In addition, the in silico prediction for this alteration is inconclusive. Based on the available evidence, the clinical significance of this variant remains unclear.

Labcorp Genetics (formerly Invitae), Labcorp
Classification: Uncertain significance for Oligodontia-cancer predisposition syndrome. Last evaluated: 2025-03-21. Review status: criteria provided, single submitter. Criteria: Invitae Variant Classification Sherloc (09022015). Collection method: clinical testing. Allele origin: germline.
Comment: This sequence change replaces lysine, which is basic and polar, with isoleucine, which is neutral and non-polar, at codon 47 of the AXIN2 protein (p.Lys47Ile). This variant is not present in population databases (gnomAD no frequency). This variant has not been reported in the literature in individuals affected with AXIN2-related conditions. ClinVar contains an entry for this variant (Variation ID: 1024729). Invitae Evidence Modeling of protein sequence and biophysical properties (such as structural, functional, and spatial information, amino acid conservation, physicochemical variation, residue mobility, and thermodynamic stability) indicates that this missense variant is not expected to disrupt AXIN2 protein function with a negative predictive value of 80%. In summary, the available evidence is currently insufficient to determine the role of this variant in disease. Therefore, it has been classified as a Variant of Uncertain Significance.

NM_004655.4(AXIN2):c.140A>T (p.Lys47Ile)

Gene: AXIN2 (axin 2; minus strand). Cytogenetic location: 17q24.1.
Variant type: single nucleotide variant.
Coding change: c.140A>T on transcript NM_004655.4 (MANE Select); coding-DNA position 140, A replaced by T.
Protein change: p.Lys47Ile; replaces lysine 47 with isoleucine.
Molecular consequence: missense variant.
Genome position (GRCh38, 1-based): chr17:65,558,481, T>A on the plus strand (A>T on the coding strand, the complement: AXIN2 is on the minus strand). VCF-style: chr17-65558481-T-A. GRCh37 (hg19) VCF-style: chr17-63554599-T-A.
Other names: c.140A>T (NM_004655.3); c.140A>T, p.Lys47Ile (NM_001363813.1); short protein forms K47I.
Identifiers: ClinVar variation 1024729 (VCV001024729.9), dbSNP rs2044309370, ClinGen allele CA400682056.